The following is an entry in ClinVar:

NM_022482.5(GZF1):c.2042C>A (p.Thr681Asn)

Gene: GZF1 (GDNF inducible zinc finger protein 1; plus strand). Cytogenetic location: 20p11.21.
Variant type: single nucleotide variant.
Coding change: c.2042C>A on transcript NM_022482.5 (MANE Select); coding-DNA position 2042, C replaced by A.
Protein change: p.Thr681Asn; replaces threonine 681 with asparagine.
Molecular consequence: missense variant.
Genome position (GRCh38, 1-based): chr20:23,370,347, C>A. VCF-style: chr20-23370347-C-A. GRCh37 (hg19) VCF-style: chr20-23350984-C-A.
Other names: c.2042C>A (NM_022482.4); c.2042C>A, p.Thr681Asn (NM_001317012.2); c.1996C>A, p.Pro666Thr (NM_001317019.1); short protein forms P666T, T681N.
Identifiers: ClinVar variation 716616 (VCV000716616.11), dbSNP rs138617042, ClinGen allele CA9788869.

ClinVar aggregate classification (germline): Benign. Review status: criteria provided, single submitter (1 of 4 stars). 2 submissions from 2 submitters: Benign (1). 1 of the submissions does not count toward it. Last evaluated 2025-12-31.

Conditions:
GZF1-related disorder. Also called: GZF1-related condition.

Allele frequency attached by ClinVar (database versions not stated): gnomAD exomes 0.00061 and 0.00176; ExAC 0.00237; 1000 Genomes Project 0.00659; gnomAD 0.00678 and 0.00733; 1000 Genomes Project 30x 0.00718; TOPMed 0.00765; ESP Exome Variant Server 0.00884.
gnomAD v4.1: 1,961 of 1,613,680 alleles (0.12%); highest among the groups gnomAD compares: African/African-American, 2.3%; 19 homozygotes.

Submissions (2):

Labcorp Genetics (formerly Invitae), Labcorp
Classification: Benign. Last evaluated: 2025-12-31. Review status: criteria provided, single submitter. Criteria: Invitae Variant Classification Sherloc (09022015). Collection method: clinical testing. Allele origin: germline.

PreventionGenetics, part of Exact Sciences
Classification: Benign for GZF1-related condition. Last evaluated: 2024-02-12. Review status: no assertion criteria provided. Collection method: clinical testing. Allele origin: germline. Not counted in ClinVar's aggregate classification.
Comment: This variant is classified as benign based on ACMG/AMP sequence variant interpretation guidelines (Richards et al. 2015 PMID: 25741868, with internal and published modifications).